The following is an entry in ClinVar:

NM_006218.4(PIK3CA):c.2206G>A (p.Val736Ile)

Gene: PIK3CA (phosphatidylinositol-4,5-bisphosphate 3-kinase catalytic subunit alpha; plus strand). Cytogenetic location: 3q26.32.
Variant type: single nucleotide variant.
Coding change: c.2206G>A on transcript NM_006218.4 (MANE Select); coding-DNA position 2206, G replaced by A.
Protein change: p.Val736Ile; replaces valine 736 with isoleucine.
Molecular consequence: missense variant.
Genome position (GRCh38, 1-based): chr3:179,224,099, G>A. VCF-style: chr3-179224099-G-A. GRCh37 (hg19) VCF-style: chr3-178941887-G-A.
Other names: short protein forms V736I.
Identifiers: ClinVar variation 4861863 (VCV004861863.1).

ClinVar aggregate classification (germline): Uncertain significance (1 of 4 stars; one submission).

Conditions:
Inborn genetic diseases. Identifiers: MedGen C0950123, MeSH D030342.

Submission:

Ambry Genetics
Classification: Uncertain significance for Inborn genetic diseases. Last evaluated: 2026-03-17. Review status: criteria provided, single submitter. Criteria: Ambry Variant Classification Scheme 2023. Collection method: clinical testing. Allele origin: germline.
Comment: The p.V736I variant (also known as c.2206G>A), located in coding exon 14 of the PIK3CA gene, results from a G to A substitution at nucleotide position 2206. The valine at codon 736 is replaced by isoleucine, an amino acid with highly similar properties. This amino acid position is conserved. In addition, the in silico prediction for this alteration is inconclusive. Based on the available evidence, the clinical significance of this variant remains unclear.